The following is an entry in ClinVar:

ClinVar aggregate classification (germline): Uncertain significance (1 of 4 stars; one submission).

Allele frequency attached by ClinVar (database versions not stated): ExAC 0.00002; gnomAD exomes 0.00002 and 0.00003; TOPMed 0.00002; gnomAD 0.00003 and 0.00004.
gnomAD v4.1: 43 of 1,613,950 alleles (0.0027%); highest among the groups gnomAD compares: Non-Finnish European, 0.0033%; no homozygotes.

Submission:

Labcorp Genetics (formerly Invitae), Labcorp
Classification: Uncertain significance. Last evaluated: 2021-08-26. Review status: criteria provided, single submitter. Criteria: Invitae Variant Classification Sherloc (09022015). Collection method: clinical testing. Allele origin: germline.
Comment: This sequence change replaces valine with isoleucine at codon 2254 of the VPS13C protein (p.Val2254Ile). The valine residue is highly conserved and there is a small physicochemical difference between valine and isoleucine. This variant is present in population databases (rs753233257, ExAC 0.003%). This variant has not been reported in the literature in individuals affected with VPS13C-related conditions. Algorithms developed to predict the effect of missense changes on protein structure and function are either unavailable or do not agree on the potential impact of this missense change (SIFT: "Tolerated"; PolyPhen-2: "Probably Damaging"; Align-GVGD: "Class C0"). In summary, the available evidence is currently insufficient to determine the role of this variant in disease. Therefore, it has been classified as a Variant of Uncertain Significance.

NM_020821.3(VPS13C):c.6760G>A (p.Val2254Ile)

Gene: VPS13C (vacuolar protein sorting 13 homolog C; minus strand). Cytogenetic location: 15q22.2.
Variant type: single nucleotide variant.
Coding change: c.6760G>A on transcript NM_020821.3 (MANE Select); coding-DNA position 6760, G replaced by A.
Protein change: p.Val2254Ile; replaces valine 2254 with isoleucine.
Molecular consequence: missense variant.
Genome position (GRCh38, 1-based): chr15:61,922,612, C>T on the plus strand (G>A on the coding strand, the complement: VPS13C is on the minus strand). VCF-style: chr15-61922612-C-T. GRCh37 (hg19) VCF-style: chr15-62214811-C-T.
Other names: c.6760G>A, p.Val2254Ile (NM_001018088.3); c.6631G>A, p.Val2211Ile (NM_017684.5, NM_018080.4); short protein forms V2211I, V2254I.
Identifiers: ClinVar variation 1520802 (VCV001520802.5), dbSNP rs753233257, ClinGen allele CA7595458.